The following is an entry in ClinVar:

ClinVar aggregate classification (germline): Uncertain significance (1 of 4 stars; one submission).

Submission:

Ambry Genetics
Classification: Uncertain significance. Last evaluated: 2026-03-31. Review status: criteria provided, single submitter. Criteria: Ambry Variant Classification Scheme 2023. Collection method: clinical testing. Allele origin: germline.
Comment: The c.450_451delGCinsAA variant, located in coding exon 1 of the PALLD gene, results from an in-frame deletion of GC and insertion of AA at nucleotide positions 450 to 451. This results in the substitution of the proline residue for a threonine residue at codon 151, an amino acid with highly similar properties. This amino acid position is well conserved in available vertebrate species. The evidence for this gene-disease relationship is limited; therefore, the clinical significance of this variant is unclear.

NM_001166108.2(PALLD):c.1965-12581_1965-12580delinsAA

Gene: PALLD (palladin, cytoskeletal associated protein; plus strand). Cytogenetic location: 4q32.3.
Variant type: Indel.
Coding change: c.1965-12581_1965-12580delinsAA on transcript NM_001166108.2 (MANE Select); 12581 bases into the intron before coding-DNA position 1965 through 12580 bases into the intron before coding-DNA position 1965, GC replaced by AA.
Molecular consequence: intron variant. On other transcripts: missense variant (1).
Genome position (GRCh38, 1-based): chr4:168,878,341-168,878,342, GC replaced by AA. VCF-style: chr4-168878341-GC-AA. GRCh37 (hg19) VCF-style: chr4-169799492-GC-AA.
Other names: c.-157-12581_-157-12580delinsAA (NM_001367568.1, NM_001367567.1, NM_001367569.1 and 1 more transcripts); c.450_451delinsAA, p.Pro151Thr (NM_001166110.2); c.1965-12581_1965-12580delinsAA (NM_016081.4); c.819-12581_819-12580delinsAA (NM_001166109.2); short protein forms P151T.
Identifiers: ClinVar variation 4861526 (VCV004861526.1).